The following is an entry in ClinVar:

ClinVar aggregate classification (germline): Uncertain significance. Review status: criteria provided, multiple submitters, no conflicts (2 of 4 stars). 2 submissions from 2 submitters: Uncertain significance (2). Last evaluated 2024-11-13.

Submissions (2):

GeneDx
Classification: Uncertain significance. Last evaluated: 2024-11-13. Review status: criteria provided, single submitter. Criteria: GeneDx Variant Classification Process June 2021. Collection method: clinical testing. Allele origin: germline. Affected: yes.
Comment: Not observed at significant frequency in large population cohorts (gnomAD); In silico analysis indicates that this missense variant does not alter protein structure/function; Has not been previously published as pathogenic or benign to our knowledge

CeGaT Center for Human Genetics Tuebingen
Classification: Uncertain significance. Last evaluated: 2023-09-01. Review status: criteria provided, single submitter. Criteria: CeGaT Center For Human Genetics Tuebingen Variant Classification Criteria Version 2. Collection method: clinical testing. Allele origin: germline. Affected: yes. Observed: 1 variant allele.
Comment: SETD2: PM2, BP4

NM_014159.7(SETD2):c.2504T>C (p.Ile835Thr)

Gene: SETD2 (SET domain containing 2, histone lysine methyltransferase; minus strand). Cytogenetic location: 3p21.31.
Variant type: single nucleotide variant.
Coding change: c.2504T>C on transcript NM_014159.7 (MANE Select); coding-DNA position 2504, T replaced by C.
Protein change: p.Ile835Thr; replaces isoleucine 835 with threonine.
Molecular consequence: missense variant. On other transcripts: non-coding transcript variant (1).
Genome position (GRCh38, 1-based): chr3:47,122,132, A>G on the plus strand (T>C on the coding strand, the complement: SETD2 is on the minus strand). VCF-style: chr3-47122132-A-G. GRCh37 (hg19) VCF-style: chr3-47163622-A-G.
Other names: c.2372T>C, p.Ile791Thr (NM_001349370.3); short protein forms I791T, I835T.
Identifiers: ClinVar variation 1704690 (VCV001704690.27), dbSNP rs2106670101, ClinGen allele CA352526229.